The following is an entry in ClinVar:

NM_005476.7(GNE):c.22C>T (p.Arg8Ter)

Gene: GNE (glucosamine (UDP-N-acetyl)-2-epimerase/N-acetylmannosamine kinase; minus strand). Cytogenetic location: 9p13.3.
Variant type: single nucleotide variant.
Coding change: c.22C>T on transcript NM_005476.7 (MANE Select); coding-DNA position 22, C replaced by T.
Protein change: p.Arg8Ter; replaces arginine 8 with a stop codon.
Molecular consequence: nonsense. On other transcripts: intron variant (3).
Genome position (GRCh38, 1-based): chr9:36,249,334, G>A on the plus strand (C>T on the coding strand, the complement: GNE is on the minus strand). VCF-style: chr9-36249334-G-A. GRCh37 (hg19) VCF-style: chr9-36249331-G-A.
Other names: c.115C>T, p.Arg39Ter (NM_001128227.3); c.22C>T, p.Arg8Ter (NM_001190383.3, NM_001374797.1); c.-13-2852C>T (NM_001190388.2, NM_001190384.3, NM_001374798.1); short protein forms R8*, R39*.
Identifiers: ClinVar variation 552994 (VCV000552994.12), dbSNP rs766420673, ClinGen allele CA5056780.
Genomic context (GRCh38, chr9:36,249,334, plus strand): 5'-TCGGGGCAAGTTTAGAATAATCTGCACGGTTACAAGTAGCAACACAAACCCGCAGCTTTC[G>A]GTTATTTCCATTCTTCTCCATGATTTGCTTGTTTCGTTTTGAGAGGTTCTTAAAATAGAG-3'

ClinVar aggregate classification (germline): Pathogenic/Likely pathogenic. Review status: criteria provided, multiple submitters, no conflicts (2 of 4 stars). 6 submissions from 6 submitters: Pathogenic (4); Likely pathogenic (1). 1 of the submissions does not count toward it. Last evaluated 2025-12-09.

Conditions:
Sialuria. Also called: SIALURIA, FRENCH TYPE; Sialic Acid Storage Disease. Identifiers: Orphanet 3166, MedGen C0342853, MONDO:0010028, OMIM 269921.
GNE myopathy (NM). Also called: IBM 2; Inclusion body myopathy autosomal recessive; Inclusion body myopathy quadriceps sparing; NONAKA DISTAL MYOPATHY; INCLUSION BODY MYOPATHY, HEREDITARY, AUTOSOMAL RECESSIVE; INCLUSION BODY MYOPATHY 2, AUTOSOMAL RECESSIVE. Identifiers: Orphanet 602, MedGen C1853926, MONDO:0011603, OMIM 605820.

Allele frequency attached by ClinVar (database versions not stated): ExAC 0.00001; TOPMed 0.00001.
gnomAD v4.1: 35 of 1,613,824 alleles (0.0022%); highest among the groups gnomAD compares: African/African-American, 0.004%; no homozygotes.

Submissions (6):

Natera, Inc.
Classification: Pathogenic for Nonaka myopathy. Last evaluated: 2025-12-09. Review status: criteria provided, single submitter. Criteria: Natera Variant Classification Schema (03/2026). Collection method: clinical testing. Allele origin: germline.
Comment: The c.115C>T variant in GNE is a nonsense variant predicted to introduce a stop codon at amino acid 39. This variant is expected to result in nonsense mediated decay, truncation, or a dysfunctional protein product. This variant is rare in the general population with a frequency below the threshold expected for the associated phenotype(s). This variant has been observed in one or more individuals affected with the associated recessive disease, as either homozygous or compound heterozygous with a second variant (PMID: 20059379). Given the available evidence, this variant is classified as Pathogenic.

Labcorp Genetics (formerly Invitae), Labcorp
Classification: Pathogenic for Sialuria; GNE myopathy. Last evaluated: 2025-08-29. Review status: criteria provided, single submitter. Criteria: Invitae Variant Classification Sherloc (09022015). Collection method: clinical testing. Allele origin: germline.
Comment: This sequence change creates a premature translational stop signal (p.Arg39*) in the GNE gene. It is expected to result in an absent or disrupted protein product. Loss-of-function variants in GNE are known to be pathogenic (PMID: 24027297). This variant is present in population databases (rs766420673, gnomAD 0.002%). This premature translational stop signal has been observed in individual(s) with autosomal recessive GNE-related myopathy (PMID: 20059379, 22507750). This variant is also known as p.Arg8*. ClinVar contains an entry for this variant (Variation ID: 552994). For these reasons, this variant has been classified as Pathogenic.

Baylor Genetics
Classification: Pathogenic for GNE myopathy. Last evaluated: 2024-03-07. Review status: criteria provided, single submitter. Criteria: ACMG Guidelines, 2015. Collection method: clinical testing. Allele origin: unknown.

Revvity Omics, Revvity
Classification: Pathogenic. Last evaluated: 2023-08-21. Review status: criteria provided, single submitter. Criteria: ACMG Guidelines, 2015. Collection method: clinical testing. Allele origin: germline.

Institute for Medical Genetics and Human Genetics, Charité - Universitätsmedizin Berlin
Classification: Likely pathogenic for GNE myopathy. Last evaluated: 2022-09-16. Review status: criteria provided, single submitter. Criteria: ACMG Guidelines, 2015. Collection method: clinical testing. Allele origin: germline. Inheritance: Autosomal recessive inheritance. Affected: yes. Observed: 1 compound heterozygote.

Counsyl
Classification: Pathogenic for GNE myopathy. Last evaluated: 2017-07-24. Review status: no assertion criteria provided. Collection method: clinical testing. Allele origin: unknown. Not counted in ClinVar's aggregate classification.

Literature cited by the submitters: PubMed 20059379 (cited by 3 submitters); PubMed 24027297 (cited by Labcorp Genetics (formerly Invitae), Labcorp and Counsyl); PubMed 22507750 (cited by Labcorp Genetics (formerly Invitae), Labcorp); PubMed 25986339 (cited by Counsyl).